The following is an entry in ClinVar:

NM_000238.4(KCNH2):c.1159G>A (p.Glu387Lys)

Gene: KCNH2 (potassium voltage-gated channel subfamily H member 2; minus strand). Cytogenetic location: 7q36.1.
Variant type: single nucleotide variant.
Coding change: c.1159G>A on transcript NM_000238.4 (MANE Select); coding-DNA position 1159, G replaced by A.
Protein change: p.Glu387Lys; replaces glutamic acid 387 with lysine.
Molecular consequence: missense variant. On other transcripts: non-coding transcript variant (2).
Genome position (GRCh38, 1-based): chr7:150,952,823, C>T on the plus strand (G>A on the coding strand, the complement: KCNH2 is on the minus strand). VCF-style: chr7-150952823-C-T. GRCh37 (hg19) VCF-style: chr7-150649911-C-T.
Other names: c.139G>A, p.Glu47Lys (NM_001204798.2, NM_172057.3); c.871G>A, p.Glu291Lys (NM_001406753.1, NM_001406756.1); c.982G>A, p.Glu328Lys (NM_001406755.1); c.859G>A, p.Glu287Lys (NM_001406757.1); c.1159G>A, p.Glu387Lys (NM_172056.3); short protein forms E287K, E291K, E328K, E387K, E47K.
Identifiers: ClinVar variation 4281913 (VCV004281913.1).
Genomic context (GRCh38, chr7:150,952,823, plus strand): 5'-TGAAGGGGCTGTAATGCAGGATGGTCCAGCGGTGGATGCGCGGTGCCTGCAGCTTGTACT[C>T]AGGCAGCACGTCGGCGCCCAGGGACAGGACCTGCACCCGGGGAAGGCGGAGGTGTGGGTG-3'
Protein context (NP_000229.1, residues 377-397): VLSLGADVLP[Glu387Lys]YKLQAPRIHR

ClinVar aggregate classification (germline): Uncertain significance (1 of 4 stars; one submission).

Submission:

GeneDx
Classification: Uncertain significance. Last evaluated: 2025-04-11. Review status: criteria provided, single submitter. Criteria: GeneDx Variant Classification Process June 2021. Collection method: clinical testing. Allele origin: germline. Affected: yes.
Comment: Not observed at significant frequency in large population cohorts (gnomAD); In silico analysis supports that this missense variant has a deleterious effect on protein structure/function; Has not been previously published as pathogenic or benign to our knowledge